The following is an entry in ClinVar:

NM_022720.7(DGCR8):c.1763A>G (p.Lys588Arg)

Gene: DGCR8 (DGCR8 microprocessor complex subunit; plus strand). Cytogenetic location: 22q11.21.
Variant type: single nucleotide variant.
Coding change: c.1763A>G on transcript NM_022720.7 (MANE Select); coding-DNA position 1763, A replaced by G.
Protein change: p.Lys588Arg; replaces lysine 588 with arginine.
Molecular consequence: missense variant.
Genome position (GRCh38, 1-based): chr22:20,094,770, A>G. VCF-style: chr22-20094770-A-G. GRCh37 (hg19) VCF-style: chr22-20082293-A-G.
Other names: c.1664A>G, p.Lys555Arg (NM_001190326.2); short protein forms K555R, K588R.
Identifiers: ClinVar variation 2652880 (VCV002652880.24), dbSNP rs35569747, ClinGen allele CA10107066.

ClinVar aggregate classification (germline): Likely benign (1 of 4 stars; one submission).

Allele frequency attached by ClinVar (database versions not stated): 1000 Genomes Project 0.00339; 1000 Genomes Project 30x 0.00344; gnomAD 0.00530; TOPMed 0.00552; ExAC 0.00603; ESP Exome Variant Server 0.00700; gnomAD exomes 0.00737.
gnomAD v4.1: 11,650 of 1,614,092 alleles (0.72%); highest among the groups gnomAD compares: Middle Eastern, 1.6%; 50 homozygotes.

Submission:

CeGaT Center for Human Genetics Tuebingen
Classification: Likely benign. Last evaluated: 2023-11-01. Review status: criteria provided, single submitter. Criteria: CeGaT Center For Human Genetics Tuebingen Variant Classification Criteria Version 2. Collection method: clinical testing. Allele origin: germline. Affected: yes. Observed: 3 variant alleles.
Comment: DGCR8: PP2, BS2